The following is an entry in ClinVar:

NM_003978.5(PSTPIP1):c.1055A>C (p.Glu352Ala)

Gene: PSTPIP1 (proline-serine-threonine phosphatase interacting protein 1; plus strand). Cytogenetic location: 15q24.3.
Variant type: single nucleotide variant.
Coding change: c.1055A>C on transcript NM_003978.5 (MANE Select); coding-DNA position 1055, A replaced by C.
Protein change: p.Glu352Ala; replaces glutamic acid 352 with alanine.
Molecular consequence: missense variant. On other transcripts: non-coding transcript variant (1).
Genome position (GRCh38, 1-based): chr15:77,035,871, A>C. VCF-style: chr15-77035871-A-C. GRCh37 (hg19) VCF-style: chr15-77328212-A-C.
Other names: c.998A>C, p.Glu333Ala (NM_001321135.2); c.1028A>C, p.Glu343Ala (NM_001321136.2); c.1250A>C, p.Glu417Ala (NM_001321137.1); c.1046A>C, p.Glu349Ala (NM_001411086.1); short protein forms E333A, E343A, E349A, E417A, E352A.
Identifiers: ClinVar variation 3016334 (VCV003016334.21), dbSNP rs2542891981, ClinGen allele CA393521777.

ClinVar aggregate classification (germline): Uncertain significance. Review status: criteria provided, multiple submitters, no conflicts (2 of 4 stars). 2 submissions from 2 submitters: Uncertain significance (2). Last evaluated 2024-06-05.

Conditions:
Pyogenic arthritis-pyoderma gangrenosum-acne syndrome (PAPA). Also called: FAMILIAL RECURRENT ARTHRITIS; PAPA SYNDROME. Identifiers: Orphanet 69126, MedGen C1858361, MONDO:0011462, OMIM 604416.

Allele frequency attached by ClinVar (database versions not stated): gnomAD exomes below 0.00001.
gnomAD v4.1: 6 of 1,610,606 alleles (0.00037%); highest among the groups gnomAD compares: Middle Eastern, 0.018%; no homozygotes.

Submissions (2):

Labcorp Genetics (formerly Invitae), Labcorp
Classification: Uncertain significance for Pyogenic arthritis-pyoderma gangrenosum-acne syndrome. Last evaluated: 2024-06-05. Review status: criteria provided, single submitter. Criteria: Invitae Variant Classification Sherloc (09022015). Collection method: clinical testing. Allele origin: germline.
Comment: This sequence change replaces glutamic acid, which is acidic and polar, with alanine, which is neutral and non-polar, at codon 352 of the PSTPIP1 protein (p.Glu352Ala). This variant is not present in population databases (gnomAD no frequency). This variant has not been reported in the literature in individuals affected with PSTPIP1-related conditions. Algorithms developed to predict the effect of missense changes on protein structure and function output the following: SIFT: "Not Available"; PolyPhen-2: "Benign"; Align-GVGD: "Not Available". The alanine amino acid residue is found in multiple mammalian species, which suggests that this missense change does not adversely affect protein function. In summary, the available evidence is currently insufficient to determine the role of this variant in disease. Therefore, it has been classified as a Variant of Uncertain Significance.

CeGaT Center for Human Genetics Tuebingen
Classification: Uncertain significance. Last evaluated: 2024-06-01. Review status: criteria provided, single submitter. Criteria: CeGaT Center For Human Genetics Tuebingen Variant Classification Criteria Version 2. Collection method: clinical testing. Allele origin: germline. Affected: yes. Observed: 1 variant allele.
Comment: PSTPIP1: PM2, BP4